The following is an entry in ClinVar:

ClinVar aggregate classification (germline): Pathogenic (1 of 4 stars; one submission).

Conditions:
Nephrotic syndrome, type 9 (NPHS9). Identifiers: Orphanet 656, MedGen C3809965, MONDO:0014257, OMIM 615573.

gnomAD v4.1: 15 of 1,590,720 alleles (0.00094%); highest among the groups gnomAD compares: Non-Finnish European, 0.0013%; no homozygotes.

Submission:

Laboratory of Molecular Genetics, CHU Rennes
Classification: Pathogenic for Nephrotic syndrome, type 9. Last evaluated: 2026-06-08. Review status: criteria provided, single submitter. Criteria: ACMG Guidelines, 2015. Collection method: clinical testing. Allele origin: unknown. Inheritance: Autosomal recessive inheritance. Affected: yes.
Comment: The NM_024876.4:c.490G>T alters splicing and creates two anormal transcripts : one major with intron 6 (143 bp) retention and frameshift leading to a premature stop codon (p.Asp164GlyfsX4) and loss of the entire ABC1 functional domain. And one, minor, with exon 6 skipping and deletion of 41 aminoacids (p.Glu123_Gln163del). In trans with another pathogenic variant.

NM_024876.4(COQ8B):c.490G>T (p.Asp164Tyr)

Gene: COQ8B (coenzyme Q8B; minus strand). Cytogenetic location: 19q13.2.
Variant type: single nucleotide variant.
Coding change: c.490G>T on transcript NM_024876.4 (MANE Select); coding-DNA position 490, G replaced by T.
Protein change: p.Asp164Tyr; replaces aspartic acid 164 with tyrosine.
Molecular consequence: missense variant. On other transcripts: intron variant (1).
Genome position (GRCh38, 1-based): chr19:40,705,325, C>A on the plus strand (G>T on the coding strand, the complement: COQ8B is on the minus strand). VCF-style: chr19-40705325-C-A. GRCh37 (hg19) VCF-style: chr19-41211230-C-A.
Other names: c.368-144G>T (NM_001142555.3); short protein forms D164Y.
Identifiers: ClinVar variation 4857588 (VCV004857588.1).